The following is an entry in ClinVar:

ClinVar aggregate classification (germline): Uncertain significance (1 of 4 stars; one submission).

Conditions:
Familial hemophagocytic lymphohistiocytosis 3 (FHL3). Also called: UNC13D-Related Familial Hemophagocytic Lymphohistiocytosis (UNC13D-fHLH). Identifiers: Orphanet 540, MedGen C1837174, MONDO:0012146, OMIM 608898.

Allele frequency attached by ClinVar (database versions not stated): gnomAD exomes 0.00001; TOPMed 0.00001; gnomAD 0.00002; ESP Exome Variant Server 0.00008.
gnomAD v4.1: 12 of 1,613,792 alleles (0.00074%); highest among the groups gnomAD compares: Non-Finnish European, 0.001%; no homozygotes.

Submission:

Labcorp Genetics (formerly Invitae), Labcorp
Classification: Uncertain significance for Familial hemophagocytic lymphohistiocytosis 3. Last evaluated: 2022-08-10. Review status: criteria provided, single submitter. Criteria: Invitae Variant Classification Sherloc (09022015). Collection method: clinical testing. Allele origin: germline.
Comment: This sequence change replaces aspartic acid, which is acidic and polar, with tyrosine, which is neutral and polar, at codon 343 of the UNC13D protein (p.Asp343Tyr). This variant is present in population databases (rs150442758, gnomAD 0.002%). This variant has not been reported in the literature in individuals affected with UNC13D-related conditions. ClinVar contains an entry for this variant (Variation ID: 1488492). Algorithms developed to predict the effect of missense changes on protein structure and function are either unavailable or do not agree on the potential impact of this missense change (SIFT: "Not Available"; PolyPhen-2: "Probably Damaging"; Align-GVGD: "Not Available"). Algorithms developed to predict the effect of sequence changes on RNA splicing suggest that this variant may create or strengthen a splice site. In summary, the available evidence is currently insufficient to determine the role of this variant in disease. Therefore, it has been classified as a Variant of Uncertain Significance.

NM_199242.3(UNC13D):c.1027G>T (p.Asp343Tyr)

Gene: UNC13D (unc-13 homolog D; minus strand). Cytogenetic location: 17q25.1.
Variant type: single nucleotide variant.
Coding change: c.1027G>T on transcript NM_199242.3 (MANE Select); coding-DNA position 1027, G replaced by T.
Protein change: p.Asp343Tyr; replaces aspartic acid 343 with tyrosine.
Molecular consequence: missense variant.
Genome position (GRCh38, 1-based): chr17:75,839,867, C>A on the plus strand (G>T on the coding strand, the complement: UNC13D is on the minus strand). VCF-style: chr17-75839867-C-A. GRCh37 (hg19) VCF-style: chr17-73835948-C-A.
Other names: short protein forms D343Y.
Identifiers: ClinVar variation 1488492 (VCV001488492.3), dbSNP rs150442758, ClinGen allele CA294089302.